The following is an entry in ClinVar:

ClinVar aggregate classification (germline): Likely benign. Review status: criteria provided, single submitter (1 of 4 stars). 2 submissions from 2 submitters: Likely benign (1). 1 of the submissions does not count toward it. Last evaluated 2024-02-01.

Conditions:
PCNT-related disorder. Also called: PCNT-related condition.

Allele frequency attached by ClinVar (database versions not stated): gnomAD exomes below 0.00001; TOPMed 0.00001.
gnomAD v4.1: 3 of 1,611,940 alleles (0.00019%); highest among the groups gnomAD compares: Non-Finnish European, 0.00025%; no homozygotes.

Submissions (2):

Labcorp Genetics (formerly Invitae), Labcorp
Classification: Likely benign. Last evaluated: 2024-02-01. Review status: criteria provided, single submitter. Criteria: Invitae Variant Classification Sherloc (09022015). Collection method: clinical testing. Allele origin: germline.

PreventionGenetics, part of Exact Sciences
Classification: Likely benign for PCNT-related condition. Last evaluated: 2022-04-25. Review status: no assertion criteria provided. Collection method: clinical testing. Allele origin: germline. Not counted in ClinVar's aggregate classification.
Comment: This variant is classified as likely benign based on ACMG/AMP sequence variant interpretation guidelines (Richards et al. 2015 PMID: 25741868, with internal and published modifications).

NM_006031.6(PCNT):c.3166-8G>A

Gene: PCNT (pericentrin; plus strand). Cytogenetic location: 21q22.3.
Variant type: single nucleotide variant.
Coding change: c.3166-8G>A on transcript NM_006031.6 (MANE Select); 8 bases into the intron before coding-DNA position 3166, G replaced by A.
Molecular consequence: intron variant.
Genome position (GRCh38, 1-based): chr21:46,381,686, G>A. VCF-style: chr21-46381686-G-A. GRCh37 (hg19) VCF-style: chr21-47801601-G-A.
Other names: c.3166-8G>A (NM_006031.5); c.2812-8G>A (NM_001315529.2).
Identifiers: ClinVar variation 1934531 (VCV001934531.7), dbSNP rs2085547297, ClinGen allele CA2392648439.
Genomic context (GRCh38, chr21:46,381,686, plus strand): 5'-TCCGGCTAACAGCAAAGAAAGTATTTTTCTAGCTTACTGGTATTTTTTATTGTTATTGAT[G>A]TGTACAGGGTGAATTTGGAAGTGAAAAGAAAACTGCTTTGCATGAAAAAGAGGAGACACT-3'